The following is an entry in ClinVar:

ClinVar aggregate classification (germline): Uncertain significance (1 of 4 stars; one submission).

Allele frequency attached by ClinVar (database versions not stated): gnomAD exomes below 0.00001; TOPMed below 0.00001; gnomAD 0.00001.
gnomAD v4.1: 7 of 1,614,096 alleles (0.00043%); highest among the groups gnomAD compares: Non-Finnish European, 0.00059%; no homozygotes.

Submission:

Labcorp Genetics (formerly Invitae), Labcorp
Classification: Uncertain significance. Last evaluated: 2025-11-05. Review status: criteria provided, single submitter. Criteria: Invitae Variant Classification Sherloc (09022015). Collection method: clinical testing. Allele origin: germline.
Comment: This sequence change replaces leucine, which is neutral and non-polar, with proline, which is neutral and non-polar, at codon 275 of the PUS3 protein (p.Leu275Pro). This variant is not present in population databases (gnomAD no frequency). This variant has not been reported in the literature in individuals affected with PUS3-related conditions. ClinVar contains an entry for this variant (Variation ID: 1929066). Invitae Evidence Modeling of protein sequence and biophysical properties (such as structural, functional, and spatial information, amino acid conservation, physicochemical variation, residue mobility, and thermodynamic stability) indicates that this missense variant is expected to disrupt PUS3 protein function with a positive predictive value of 80%. In summary, the available evidence is currently insufficient to determine the role of this variant in disease. Therefore, it has been classified as a Variant of Uncertain Significance.

NM_031307.4(PUS3):c.824T>C (p.Leu275Pro)

Genes: HYLS1 (HYLS1 centriolar and ciliogenesis associated; plus strand), PUS3 (pseudouridine synthase 3; minus strand). Cytogenetic location: 11q24.2.
Variant type: single nucleotide variant.
Coding change: c.824T>C on transcript NM_031307.4 (MANE Select); coding-DNA position 824, T replaced by C.
Protein change: p.Leu275Pro; replaces leucine 275 with proline.
Molecular consequence: missense variant. On other transcripts: intron variant (5).
Genome position (GRCh38, 1-based): chr11:125,895,344, A>G on the plus strand (T>C on the coding strand, the complement: PUS3 is on the minus strand). VCF-style: chr11-125895344-A-G. GRCh37 (hg19) VCF-style: chr11-125765239-A-G.
Other names: c.200T>C, p.Leu67Pro (NM_001271985.2); c.-80-3760A>G (NM_145014.3); c.-26+3872A>G (NM_001134793.2); c.-23+3872A>G (NM_001424364.1); c.-25-4000A>G (NM_001377269.1); c.-22-4003A>G (NM_001377270.1); short protein forms L67P, L275P.
Identifiers: ClinVar variation 1929066 (VCV001929066.5), dbSNP rs1233641327, ClinGen allele CA383197894.